The following is an entry in ClinVar:

NM_001044385.3(TMEM237):c.869+10A>G

Gene: TMEM237 (transmembrane protein 237; minus strand). Cytogenetic location: 2q33.1.
Variant type: single nucleotide variant.
Coding change: c.869+10A>G on transcript NM_001044385.3 (MANE Select); 10 bases into the intron after coding-DNA position 869, A replaced by G.
Molecular consequence: intron variant.
Genome position (GRCh38, 1-based): chr2:201,629,220, T>C on the plus strand (A>G on the coding strand, the complement: TMEM237 is on the minus strand). VCF-style: chr2-201629220-T-C. GRCh37 (hg19) VCF-style: chr2-202493943-T-C.
Other names: c.845+10A>G (NM_152388.4).
Identifiers: ClinVar variation 385385 (VCV000385385.15), dbSNP rs376868416, ClinGen allele CA2056380.

ClinVar aggregate classification (germline): Conflicting classifications of pathogenicity. Review status: criteria provided, conflicting classifications (1 of 4 stars). 4 submissions from 4 submitters: Uncertain significance (1); Benign (1); Likely benign (2). Last evaluated 2026-02-04.

Conditions:
Joubert syndrome 14 (JBTS14). Identifiers: MedGen C3280766, MONDO:0013745, OMIM 614424.

Allele frequency attached by ClinVar (database versions not stated): ESP Exome Variant Server 0.00008; gnomAD 0.00016 and 0.00017; TOPMed 0.00016.
gnomAD v4.1: 201 of 1,535,292 alleles (0.013%); highest among the groups gnomAD compares: South Asian, 0.039%; 2 homozygotes.

Submissions (4):

Labcorp Genetics (formerly Invitae), Labcorp
Classification: Benign for Joubert syndrome 14. Last evaluated: 2026-02-04. Review status: criteria provided, single submitter. Criteria: Invitae Variant Classification Sherloc (09022015). Collection method: clinical testing. Allele origin: germline.

Blueprint Genetics
Classification: Likely benign. Last evaluated: 2024-10-03. Review status: criteria provided, single submitter. Criteria: ACMG Guidelines, 2015. Collection method: clinical testing. Allele origin: germline.

Illumina Laboratory Services, Illumina
Classification: Uncertain significance for Joubert syndrome 14. Last evaluated: 2018-01-13. Review status: criteria provided, single submitter. Criteria: ICSL Variant Classification Criteria 13 December 2019. Collection method: clinical testing. Allele origin: germline.

GeneDx
Classification: Likely benign. Last evaluated: 2016-04-20. Review status: criteria provided, single submitter. Criteria: GeneDx Variant Classification (06012015). Collection method: clinical testing. Allele origin: germline. Affected: yes.
Comment: This variant is considered likely benign or benign based on one or more of the following criteria: it is a conservative change, it occurs at a poorly conserved position in the protein, it is predicted to be benign by multiple in silico algorithms, and/or has population frequency not consistent with disease.